The following is an entry in ClinVar:

NM_005883.3(APC2):c.4184G>A (p.Gly1395Asp)

Gene: APC2 (APC regulator of Wnt signaling pathway 2; plus strand). Cytogenetic location: 19p13.3.
Variant type: single nucleotide variant.
Coding change: c.4184G>A on transcript NM_005883.3 (MANE Select); coding-DNA position 4184, G replaced by A.
Protein change: p.Gly1395Asp; replaces glycine 1395 with aspartic acid.
Molecular consequence: missense variant.
Genome position (GRCh38, 1-based): chr19:1,467,485, G>A. VCF-style: chr19-1467485-G-A. GRCh37 (hg19) VCF-style: chr19-1467484-G-A.
Other names: c.4181G>A, p.Gly1394Asp (NM_001351273.1); c.4184G>A (NM_005883.2); short protein forms G1395D, G1394D.
Identifiers: ClinVar variation 2188772 (VCV002188772.6), dbSNP rs1208989328, ClinGen allele CA403034650.

ClinVar aggregate classification (germline): Uncertain significance. Review status: criteria provided, multiple submitters, no conflicts (2 of 4 stars). 3 submissions from 3 submitters: Uncertain significance (3). Last evaluated 2023-10-30.

Conditions:
Inborn genetic diseases. Identifiers: MedGen C0950123, MeSH D030342.

Allele frequency attached by ClinVar (database versions not stated): gnomAD exomes below 0.00001; TOPMed 0.00001; gnomAD 0.00002.
gnomAD v4.1: 7 of 1,456,280 alleles (0.00048%); highest among the groups gnomAD compares: Admixed American, 0.0073%; no homozygotes.

Submissions (3):

GeneDx
Classification: Uncertain significance. Last evaluated: 2023-10-30. Review status: criteria provided, single submitter. Criteria: GeneDx Variant Classification Process June 2021. Collection method: clinical testing. Allele origin: germline. Affected: yes.
Comment: Not observed at significant frequency in large population cohorts (gnomAD); In silico analysis supports that this missense variant has a deleterious effect on protein structure/function; Has not been previously published as pathogenic or benign to our knowledge

Labcorp Genetics (formerly Invitae), Labcorp
Classification: Uncertain significance. Last evaluated: 2022-10-13. Review status: criteria provided, single submitter. Criteria: Invitae Variant Classification Sherloc (09022015). Collection method: clinical testing. Allele origin: germline.
Comment: Advanced modeling of protein sequence and biophysical properties (such as structural, functional, and spatial information, amino acid conservation, physicochemical variation, residue mobility, and thermodynamic stability) performed at Invitae indicates that this missense variant is not expected to disrupt APC2 protein function. In summary, the available evidence is currently insufficient to determine the role of this variant in disease. Therefore, it has been classified as a Variant of Uncertain Significance. This variant has not been reported in the literature in individuals affected with APC2-related conditions. This variant is not present in population databases (gnomAD no frequency). This sequence change replaces glycine, which is neutral and non-polar, with aspartic acid, which is acidic and polar, at codon 1395 of the APC2 protein (p.Gly1395Asp).

Ambry Genetics
Classification: Uncertain significance for Inborn genetic diseases. Last evaluated: 2022-07-26. Review status: criteria provided, single submitter. Criteria: Ambry Variant Classification Scheme 2023. Collection method: clinical testing. Allele origin: germline.